The following is an entry in ClinVar:

NM_004793.4(LONP1):c.901C>T (p.Arg301Trp)

Gene: LONP1 (lon peptidase 1, mitochondrial; minus strand). Cytogenetic location: 19p13.3.
Variant type: single nucleotide variant.
Coding change: c.901C>T on transcript NM_004793.4 (MANE Select); coding-DNA position 901, C replaced by T.
Protein change: p.Arg301Trp; replaces arginine 301 with tryptophan.
Molecular consequence: missense variant. On other transcripts: non-coding transcript variant (1).
Genome position (GRCh38, 1-based): chr19:5,708,373, G>A on the plus strand (C>T on the coding strand, the complement: LONP1 is on the minus strand). VCF-style: chr19-5708373-G-A. GRCh37 (hg19) VCF-style: chr19-5708384-G-A.
Other names: NP_004784.2:p.(Arg301Trp); c.709C>T, p.Arg237Trp (NM_001276479.2); c.313C>T, p.Arg105Trp (NM_001276480.1); short protein forms R105W, R237W, R301W.
Identifiers: ClinVar variation 2498748 (VCV002498748.29), dbSNP rs2512415212, ClinGen allele CA403536827.

ClinVar aggregate classification (germline): Likely pathogenic. Review status: criteria provided, multiple submitters, no conflicts (2 of 4 stars). 3 submissions from 3 submitters: Likely pathogenic (3). Last evaluated 2026-01-01.

Conditions:
Epilepsy of infancy with migrating focal seizures. Identifiers: MedGen C4518639, MONDO:0100025.

Submissions (3):

Unidad de Genómica Garrahan, Hospital de Pediatría Garrahan
Classification: Likely pathogenic for Epilepsy of infancy with migrating focal seizures. Last evaluated: 2026-01-01. Review status: criteria provided, single submitter. Criteria: ACMG Guidelines, 2015. Collection method: clinical testing. Allele origin: germline. Affected: yes. Observed: 1 variant allele.
Comment: ACMG/AMP criteria applied: PS2_strong, PS3_supporting, PM2_supporting, PM5_moderate.

CeGaT Center for Human Genetics Tuebingen
Classification: Likely pathogenic. Last evaluated: 2023-04-01. Review status: criteria provided, single submitter. Criteria: CeGaT Center For Human Genetics Tuebingen Variant Classification Criteria Version 2. Collection method: clinical testing. Allele origin: germline. Affected: yes. Observed: 1 variant allele.
Comment: LONP1: PM2, PP4, PS2:Supporting, PS3:Supporting, PS4:Supporting

Neurology Department, Shenzhen Children's Hospital
Classification: Likely pathogenic. Review status: criteria provided, single submitter. Criteria: ACMG Guidelines, 2015. Collection method: clinical testing. Allele origin: de novo. Inheritance: Autosomal dominant inheritance. Affected: yes.
Comment: Subsequently, another case of the same variant was reported in 2025(Young et al. 2025). In vitro functional studies have shown that the Arg301Trp variant enhances the hydrolytic function of the LONP1 protein. In summary, the Arg301Trp variant meets our criteria to be classified as pathogenic.

Literature cited by the submitters: PubMed 31923470 (cited by Neurology Department, Shenzhen Children's Hospital); PubMed 40931319 (cited by Neurology Department, Shenzhen Children's Hospital).